The following is an entry in ClinVar:

ClinVar aggregate classification (germline): Pathogenic (1 of 4 stars; one submission).

Conditions:
X-linked mixed hearing loss with perilymphatic gusher. Also called: Deafness, X-linked 2; NANCE DEAFNESS; PERILYMPHATIC GUSHER-DEAFNESS SYNDROME; SENSORINEURAL DEAFNESS, PROFOUND, WITH OR WITHOUT A CONDUCTIVE COMPONENT, ASSOCIATED WITH A UNIQUE DEVELOPMENTAL ABNORMALITY OF THE EAR; Gusher syndrome. Identifiers: Orphanet 383, MedGen C1844678, MONDO:0010576, OMIM 304400.

Submission:

Institute of Rare Diseases, West China Hospital, Sichuan University
Classification: Pathogenic for X-linked mixed hearing loss with perilymphatic gusher. Last evaluated: 2025-01-09. Review status: criteria provided, single submitter. Criteria: ClinGen HL ACMG Specifications v1. Collection method: research. Allele origin: germline. Affected: yes.
Comment: PVS1;PM3_Supporting;PM2_Supporting

NM_000307.5(POU3F4):c.126C>G (p.Tyr42Ter)

Gene: POU3F4 (POU class 3 homeobox 4; plus strand). Cytogenetic location: Xq21.1.
Variant type: single nucleotide variant.
Coding change: c.126C>G on transcript NM_000307.5 (MANE Select); coding-DNA position 126, C replaced by G.
Protein change: p.Tyr42Ter; replaces tyrosine 42 with a stop codon.
Molecular consequence: nonsense.
Genome position (GRCh38, 1-based): chrX:83,508,450, C>G. VCF-style: chrX-83508450-C-G. GRCh37 (hg19) VCF-style: chrX-82763458-C-G.
Other names: short protein forms Y42*.
Identifiers: ClinVar variation 3601645 (VCV003601645.1).